The following is an entry in ClinVar:

ClinVar aggregate classification (germline): Uncertain significance. Review status: criteria provided, multiple submitters, no conflicts (2 of 4 stars). 3 submissions from 3 submitters: Uncertain significance (3). Last evaluated 2025-08-02.

Conditions:
TRPV4-related disorder. Also called: TRPV4-related condition; TRPV4-related disorders.
Charcot-Marie-Tooth disease axonal type 2C (HMSN2C). Also called: CHARCOT-MARIE-TOOTH DISEASE, AXONAL, AUTOSOMAL DOMINANT, TYPE 2C; Charcot-Marie-Tooth Neuropathy Type 2C; Charcot-Marie-Tooth Disease Type 2, TRPV4-Related (CMT2C). Identifiers: Orphanet 99937, MedGen C1853710, MONDO:0011633, OMIM 606071.

Allele frequency attached by ClinVar (database versions not stated): ExAC 0.00001; gnomAD exomes 0.00001 and 0.00002; TOPMed 0.00002; gnomAD 0.00003.
gnomAD v4.1: 19 of 1,614,072 alleles (0.0012%); highest among the groups gnomAD compares: Admixed American, 0.005%; no homozygotes.

Submissions (3):

PreventionGenetics, part of Exact Sciences
Classification: Uncertain significance for TRPV4-related condition. Last evaluated: 2025-08-02. Review status: criteria provided, single submitter. Criteria: ACMG Guidelines, 2015. Collection method: clinical testing. Allele origin: germline.
Comment: The TRPV4 c.478C>T variant is predicted to result in the amino acid substitution p.Arg160Trp. To our knowledge, this variant has not been reported in the literature. This variant is reported in 0.0058% of alleles in individuals of Latino descent in gnomAD. At this time, the clinical significance of this variant is uncertain due to the absence of conclusive functional and genetic evidence.

Labcorp Genetics (formerly Invitae), Labcorp
Classification: Uncertain significance for Charcot-Marie-Tooth disease axonal type 2C. Last evaluated: 2025-06-19. Review status: criteria provided, single submitter. Criteria: Invitae Variant Classification Sherloc (09022015). Collection method: clinical testing. Allele origin: germline.
Comment: This sequence change replaces arginine, which is basic and polar, with tryptophan, which is neutral and slightly polar, at codon 160 of the TRPV4 protein (p.Arg160Trp). This variant is present in population databases (rs780102339, gnomAD 0.006%). This variant has not been reported in the literature in individuals affected with TRPV4-related conditions. ClinVar contains an entry for this variant (Variation ID: 1677396). Invitae Evidence Modeling of protein sequence and biophysical properties (such as structural, functional, and spatial information, amino acid conservation, physicochemical variation, residue mobility, and thermodynamic stability) indicates that this missense variant is expected to disrupt TRPV4 protein function with a positive predictive value of 80%. In summary, the available evidence is currently insufficient to determine the role of this variant in disease. Therefore, it has been classified as a Variant of Uncertain Significance.

AiLife Diagnostics
Classification: Uncertain significance. Last evaluated: 2021-07-27. Review status: criteria provided, single submitter. Criteria: ACMG Guidelines, 2015. Collection method: clinical testing. Allele origin: germline. Affected: yes. Observed: 1 variant allele.

NM_021625.5(TRPV4):c.478C>T (p.Arg160Trp)

Gene: TRPV4 (transient receptor potential cation channel subfamily V member 4; minus strand). Cytogenetic location: 12q24.11.
Variant type: single nucleotide variant.
Coding change: c.478C>T on transcript NM_021625.5 (MANE Select); coding-DNA position 478, C replaced by T.
Protein change: p.Arg160Trp; replaces arginine 160 with tryptophan.
Molecular consequence: missense variant.
Genome position (GRCh38, 1-based): chr12:109,808,377, G>A on the plus strand (C>T on the coding strand, the complement: TRPV4 is on the minus strand). VCF-style: chr12-109808377-G-A. GRCh37 (hg19) VCF-style: chr12-110246182-G-A.
Other names: c.478C>T, p.Arg160Trp (NM_001177428.2, NM_001177433.2, NM_147204.3); c.376C>T, p.Arg126Trp (NM_001177431.2); short protein forms R126W, R160W.
Identifiers: ClinVar variation 1677396 (VCV001677396.7), dbSNP rs780102339, ClinGen allele CA6780533.